The following is an entry in ClinVar:

ClinVar aggregate classification (germline): Uncertain significance (1 of 4 stars; one submission).

Submission:

Labcorp Genetics (formerly Invitae), Labcorp
Classification: Uncertain significance. Last evaluated: 2024-09-21. Review status: criteria provided, single submitter. Criteria: Invitae Variant Classification Sherloc (09022015). Collection method: clinical testing. Allele origin: germline.
Comment: This sequence change creates a premature translational stop signal (p.Pro438Hisfs*15) in the EPOR gene. While this is not anticipated to result in nonsense mediated decay, it is expected to disrupt the last 71 amino acid(s) of the EPOR protein. This variant is not present in population databases (gnomAD no frequency). This variant has not been reported in the literature in individuals affected with EPOR-related conditions. In summary, the available evidence is currently insufficient to determine the role of this variant in disease. Therefore, it has been classified as a Variant of Uncertain Significance.

NM_000121.4(EPOR):c.1313del (p.Pro438fs)

Gene: EPOR (erythropoietin receptor; minus strand). Cytogenetic location: 19p13.2.
Variant type: Deletion.
Coding change: c.1313del on transcript NM_000121.4 (MANE Select); coding-DNA position 1313, one base deleted (C; older notation c.1313delC).
Protein change: p.Pro438fs; shifts the reading frame from proline 438.
Molecular consequence: frameshift variant. On other transcripts: non-coding transcript variant (1).
Genome position (GRCh38, 1-based): chr19:11,378,198, G deleted on the plus strand (C on the coding strand, the reverse complement: EPOR is on the minus strand); the first of 2 consecutive G bases (chr19:11,378,198-11,378,199); deleting either gives the same sequence. VCF-style (leftmost placement, unchanged base first): chr19-11378197-TG-T. GRCh37 (hg19) VCF-style: chr19-11488873-TG-T.
Other names: short protein forms P438fs.
Identifiers: ClinVar variation 3657295 (VCV003657295.2).